The following is an entry in ClinVar:

NM_000465.4(BARD1):c.859G>T (p.Glu287Ter)

Gene: BARD1 (BRCA1 associated RING domain 1; minus strand). Cytogenetic location: 2q35.
Variant type: single nucleotide variant.
Coding change: c.859G>T on transcript NM_000465.4 (MANE Select); coding-DNA position 859, G replaced by T.
Protein change: p.Glu287Ter; replaces glutamic acid 287 with a stop codon.
Molecular consequence: nonsense. On other transcripts: non-coding transcript variant (2), intron variant (3).
Genome position (GRCh38, 1-based): chr2:214,781,015, C>A on the plus strand (G>T on the coding strand, the complement: BARD1 is on the minus strand). VCF-style: chr2-214781015-C-A. GRCh37 (hg19) VCF-style: chr2-215645739-C-A.
Other names: c.802G>T, p.Glu268Ter (NM_001282543.2); c.158+28397G>T (NM_001282548.2); c.215+16046G>T (NM_001282545.2); c.364+11282G>T (NM_001282549.2); short protein forms E268*, E287*.
Identifiers: ClinVar variation 4720745 (VCV004720745.1).

ClinVar aggregate classification (germline): Pathogenic (1 of 4 stars; one submission).

Conditions:
Familial cancer of breast. Also called: hereditary breast carcinoma; BREAST CANCER, FAMILIAL; Hereditary breast cancer. Identifiers: Orphanet 227535, MedGen C0346153, MONDO:0016419, OMIM 114480. Disease mechanism: loss of function.

Submission:

Labcorp Genetics (formerly Invitae), Labcorp
Classification: Pathogenic for Familial cancer of breast. Last evaluated: 2025-06-04. Review status: criteria provided, single submitter. Criteria: Invitae Variant Classification Sherloc (09022015). Collection method: clinical testing. Allele origin: germline.
Comment: This sequence change creates a premature translational stop signal (p.Glu287*) in the BARD1 gene. It is expected to result in an absent or disrupted protein product. Loss-of-function variants in BARD1 are known to be pathogenic (PMID: 20077502, 21344236). This variant is not present in population databases (gnomAD no frequency). This variant has not been reported in the literature in individuals affected with BARD1-related conditions. For these reasons, this variant has been classified as Pathogenic.

Literature cited by the submitters: PubMed 20077502; PubMed 21344236.